The following is an entry in ClinVar:

ClinVar aggregate classification (germline): Uncertain significance (1 of 4 stars; one submission).

gnomAD v4.1: 1 of 1,612,988 alleles (0.000062%); highest among the groups gnomAD compares: African/African-American, 0.0013%; no homozygotes.

Submission:

Ambry Genetics
Classification: Uncertain significance. Last evaluated: 2024-07-24. Review status: criteria provided, single submitter. Criteria: Ambry Variant Classification Scheme 2023. Collection method: clinical testing. Allele origin: germline.
Comment: The p.S215C variant (also known as c.644C>G), located in coding exon 8 of the BUB1 gene, results from a C to G substitution at nucleotide position 644. The serine at codon 215 is replaced by cysteine, an amino acid with dissimilar properties. This amino acid position is conserved. In addition, this alteration is predicted to be tolerated by in silico analysis. Based on the available evidence, the clinical significance of this variant remains unclear.

NM_004336.5(BUB1):c.644C>G (p.Ser215Cys)

Gene: BUB1 (BUB1 mitotic checkpoint serine/threonine kinase; minus strand). Cytogenetic location: 2q13.
Variant type: single nucleotide variant.
Coding change: c.644C>G on transcript NM_004336.5 (MANE Select); coding-DNA position 644, C replaced by G.
Protein change: p.Ser215Cys; replaces serine 215 with cysteine.
Molecular consequence: missense variant.
Genome position (GRCh38, 1-based): chr2:110,667,682, G>C on the plus strand (C>G on the coding strand, the complement: BUB1 is on the minus strand). VCF-style: chr2-110667682-G-C. GRCh37 (hg19) VCF-style: chr2-111425259-G-C.
Other names: c.584C>G, p.Ser195Cys (NM_001278616.2); c.644C>G, p.Ser215Cys (NM_001278617.2); short protein forms S195C, S215C.
Identifiers: ClinVar variation 3483011 (VCV003483011.1).